The following is an entry in ClinVar:

NM_032634.4(PIGO):c.2854+10C>T

Gene: PIGO (phosphatidylinositol glycan anchor biosynthesis class O; minus strand). Cytogenetic location: 9p13.3.
Variant type: single nucleotide variant.
Coding change: c.2854+10C>T on transcript NM_032634.4 (MANE Select); 10 bases into the intron after coding-DNA position 2854, C replaced by T.
Molecular consequence: intron variant.
Genome position (GRCh38, 1-based): chr9:35,090,456, G>A on the plus strand (C>T on the coding strand, the complement: PIGO is on the minus strand). VCF-style: chr9-35090456-G-A. GRCh37 (hg19) VCF-style: chr9-35090453-G-A.
Other names: c.1603+10C>T (NM_152850.4, NM_001201484.2).
Identifiers: ClinVar variation 391556 (VCV000391556.12), dbSNP rs535228820, ClinGen allele CA5040323.
Genomic context (GRCh38, chr9:35,090,456, plus strand): 5'-ATCCAGGGGTTTCCTTTCTTTCCACAAAGCCAGAGTAAACAATGGAAGCAAGTGAAGGAG[G>A]AGGGGGTACCTGCAAAGAGGAGGTGGGAGGCAAAGGTGTTGGCTCCCACTAGCAAAGCAG-3'

ClinVar aggregate classification (germline): Likely benign. Review status: criteria provided, multiple submitters, no conflicts (2 of 4 stars). 2 submissions from 2 submitters: Likely benign (2). Last evaluated 2025-04-09.

Conditions:
Hyperphosphatasia with impaired intellectual development syndrome 2. Also called: GLYCOSYLPHOSPHATIDYLINOSITOL BIOSYNTHESIS DEFECT 6; Hyperphosphatasia with intellectual disability syndrome 2. Identifiers: Orphanet 247262, MedGen C3553637, MONDO:0013882, OMIM 614749.

Allele frequency attached by ClinVar (database versions not stated): gnomAD 0.00003 and 0.00002; gnomAD exomes 0.00001 and 0.00003; TOPMed 0.00003; ExAC 0.00003; 1000 Genomes Project 30x 0.00016; 1000 Genomes Project 0.00020.
gnomAD v4.1: 23 of 1,605,116 alleles (0.0014%); highest among the groups gnomAD compares: East Asian, 0.029%; no homozygotes.

Submissions (2):

Labcorp Genetics (formerly Invitae), Labcorp
Classification: Likely benign for Hyperphosphatasia with impaired intellectual development syndrome 2. Last evaluated: 2025-04-09. Review status: criteria provided, single submitter. Criteria: Invitae Variant Classification Sherloc (09022015). Collection method: clinical testing. Allele origin: germline.

GeneDx
Classification: Likely benign. Last evaluated: 2016-12-05. Review status: criteria provided, single submitter. Criteria: GeneDx Variant Classification (06012015). Collection method: clinical testing. Allele origin: germline. Affected: yes.
Comment: This variant is considered likely benign or benign based on one or more of the following criteria: it is a conservative change, it occurs at a poorly conserved position in the protein, it is predicted to be benign by multiple in silico algorithms, and/or has population frequency not consistent with disease.